The following is an entry in ClinVar:

ClinVar aggregate classification (germline): Uncertain significance (1 of 4 stars; one submission).

Conditions:
ANKFY1-related disorder. Also called: ANKFY1-related condition.

Allele frequency attached by ClinVar (database versions not stated): gnomAD 0.00001; gnomAD exomes 0.00001; TOPMed 0.00001.
gnomAD v4.1: 10 of 1,613,670 alleles (0.00062%); highest among the groups gnomAD compares: Middle Eastern, 0.016%; no homozygotes.

Submission:

PreventionGenetics, part of Exact Sciences
Classification: Uncertain significance for ANKFY1-related condition. Last evaluated: 2022-12-19. Review status: criteria provided, single submitter. Criteria: ACMG Guidelines, 2015. Collection method: clinical testing. Allele origin: germline.
Comment: The ANKFY1 c.610G>A variant is predicted to result in the amino acid substitution p.Val204Met. To our knowledge, this variant has not been reported in the literature. This variant is reported in 0.00088% of alleles in individuals of European (Non-Finnish) descent in gnomAD. At this time, the clinical significance of this variant is uncertain due to the absence of conclusive functional and genetic evidence.

NM_001330063.2(ANKFY1):c.484G>A (p.Val162Met)

Gene: ANKFY1 (ankyrin repeat and FYVE domain containing 1; minus strand). Cytogenetic location: 17p13.2.
Variant type: single nucleotide variant.
Coding change: c.484G>A on transcript NM_001330063.2 (MANE Select); coding-DNA position 484, G replaced by A.
Protein change: p.Val162Met; replaces valine 162 with methionine.
Molecular consequence: missense variant. On other transcripts: non-coding transcript variant (1).
Genome position (GRCh38, 1-based): chr17:4,209,922, C>T on the plus strand (G>A on the coding strand, the complement: ANKFY1 is on the minus strand). VCF-style: chr17-4209922-C-T. GRCh37 (hg19) VCF-style: chr17-4113217-C-T.
Other names: c.610G>A, p.Val204Met (NM_001257999.3); c.484G>A, p.Val162Met (NM_016376.5); short protein forms V162M, V204M.
Identifiers: ClinVar variation 2635662 (VCV002635662.1), dbSNP rs1357950760, ClinGen allele CA397221809.